The following is an entry in ClinVar:

ClinVar aggregate classification (germline): Uncertain significance (1 of 4 stars; one submission).

Conditions:
Mowat-Wilson syndrome (MOWS). Also called: Classic Mowat-Wilson Syndrome. Identifiers: Orphanet 2152, MedGen C1856113, MONDO:0009341, OMIM 235730.

Submission:

Labcorp Genetics (formerly Invitae), Labcorp
Classification: Uncertain significance for Mowat-Wilson syndrome. Last evaluated: 2022-04-06. Review status: criteria provided, single submitter. Criteria: Invitae Variant Classification Sherloc (09022015). Collection method: clinical testing. Allele origin: germline.
Comment: Algorithms developed to predict the effect of missense changes on protein structure and function output the following: SIFT: "Tolerated"; PolyPhen-2: "Benign"; Align-GVGD: "Class C0". The threonine amino acid residue is found in multiple mammalian species, which suggests that this missense change does not adversely affect protein function. In summary, the available evidence is currently insufficient to determine the role of this variant in disease. Therefore, it has been classified as a Variant of Uncertain Significance. This variant has not been reported in the literature in individuals affected with ZEB2-related conditions. This variant is not present in population databases (gnomAD no frequency). This sequence change replaces proline, which is neutral and non-polar, with threonine, which is neutral and polar, at codon 756 of the ZEB2 protein (p.Pro756Thr).

NM_014795.4(ZEB2):c.2266C>A (p.Pro756Thr)

Gene: ZEB2 (zinc finger E-box binding homeobox 2; minus strand). Cytogenetic location: 2q22.3.
Variant type: single nucleotide variant.
Coding change: c.2266C>A on transcript NM_014795.4 (MANE Select); coding-DNA position 2266, C replaced by A.
Protein change: p.Pro756Thr; replaces proline 756 with threonine.
Molecular consequence: missense variant.
Genome position (GRCh38, 1-based): chr2:144,398,921, G>T on the plus strand (C>A on the coding strand, the complement: ZEB2 is on the minus strand). VCF-style: chr2-144398921-G-T. GRCh37 (hg19) VCF-style: chr2-145156488-G-T.
Other names: c.2194C>A, p.Pro732Thr (NM_001171653.2); short protein forms P732T, P756T.
Identifiers: ClinVar variation 1516629 (VCV001516629.8), dbSNP rs1703267953, ClinGen allele CA348708666.
Genomic context (GRCh38, chr2:144,398,921, plus strand): 5'-CCAATTTTTCAACTGGTTTAATATTGGTAAAATGGGAAGGTTTTGTTAGCCTGAGAGGAG[G>T]ATCACAATTCGTAACACTGTTGTGGAGTTCTGCTATAGATGGTGATGTTATGGAGTCCAT-3'
Protein context (NP_055610.1, residues 746-766): ELHNSVTNCD[Pro756Thr]PLRLTKPSHF